The following is an entry in ClinVar:

ClinVar aggregate classification (germline): Uncertain significance. Review status: criteria provided, multiple submitters, no conflicts (2 of 4 stars). 5 submissions from 5 submitters: Uncertain significance (5). Last evaluated 2026-01-07.

Conditions:
Myofibrillar myopathy 5. Also called: Filaminopathy (type); FILAMINOPATHY, AUTOSOMAL DOMINANT. Identifiers: Orphanet 171445, MedGen C1836050, MONDO:0012289, OMIM 609524.
Hypertrophic cardiomyopathy 26. Also called: Cardiomyopathy, familial hypertrophic, 26. Identifiers: Orphanet 75249, MedGen C4310749, MONDO:0014883, OMIM 617047.
Distal myopathy with posterior leg and anterior hand involvement. Also called: WILLIAMS DISTAL MYOPATHY. Identifiers: Orphanet 63273, MedGen C3279722, MONDO:0013550, OMIM 614065.
Cardiovascular phenotype. Identifiers: MedGen CN230736.

Allele frequency attached by ClinVar (database versions not stated): gnomAD 0.00001; TOPMed 0.00001; gnomAD exomes 0.00002.
gnomAD v4.1: 30 of 1,612,960 alleles (0.0019%); highest among the groups gnomAD compares: Non-Finnish European, 0.0025%; no homozygotes.

Submissions (5):

Labcorp Genetics (formerly Invitae), Labcorp
Classification: Uncertain significance for Distal myopathy with posterior leg and anterior hand involvement; Myofibrillar myopathy 5; Hypertrophic cardiomyopathy 26. Last evaluated: 2026-01-07. Review status: criteria provided, single submitter. Criteria: Invitae Variant Classification Sherloc (09022015). Collection method: clinical testing. Allele origin: germline.
Comment: This sequence change replaces arginine, which is basic and polar, with glutamine, which is neutral and polar, at codon 1999 of the FLNC protein (p.Arg1999Gln). This variant is present in population databases (no rsID available, gnomAD 0.004%). This missense change has been observed in individuals with hypertrophic cardiomyopathy and/or muscle weakness (PMID: 27574918, 30418145, 32528171; internal data). ClinVar contains an entry for this variant (Variation ID: 472119). Invitae Evidence Modeling of protein sequence and biophysical properties (such as structural, functional, and spatial information, amino acid conservation, physicochemical variation, residue mobility, and thermodynamic stability) has been performed for this missense variant. However, the output from this modeling did not meet the statistical confidence thresholds required to predict the impact of this variant on FLNC protein function. In summary, the available evidence is currently insufficient to determine the role of this variant in disease. Therefore, it has been classified as a Variant of Uncertain Significance.

Greenwood Genetic Center Diagnostic Laboratories, Greenwood Genetic Center
Classification: Uncertain significance. Last evaluated: 2025-11-04. Review status: criteria provided, single submitter. Criteria: ACMG Guidelines, 2015. Collection method: clinical testing. Allele origin: germline. Affected: yes.
Comment: BP4, PP2

Ambry Genetics
Classification: Uncertain significance for Cardiovascular phenotype. Last evaluated: 2024-01-25. Review status: criteria provided, single submitter. Criteria: Ambry Variant Classification Scheme 2023. Collection method: clinical testing. Allele origin: germline.
Comment: The c.5996G>A (p.R1999Q) alteration is located in exon 36 (coding exon 36) of the FLNC gene. This alteration results from a G to A substitution at nucleotide position 5996, causing the arginine (R) at amino acid position 1999 to be replaced by a glutamine (Q). Based on data from gnomAD, the A allele has an overall frequency of 0.002% (4/248984) total alleles studied. The highest observed frequency was 0.004% (4/112904) of European (non-Finnish) alleles. This alteration has been reported in an individual from a cohort of patients with hypertrophic cardiomyopathy (Jaafar, 2016). This alteration has also been reported in a cohort of patients with unexplained limb girdle weakness and/or elevated creatine kinase (T&ouml;pf, 2020). This amino acid position is well conserved in available vertebrate species. This alteration is predicted to be tolerated by in silico analysis. Based on insufficient or conflicting evidence, the clinical significance of this alteration remains unclear.

Fulgent Genetics
Classification: Uncertain significance for Myofibrillar myopathy 5; Distal myopathy with posterior leg and anterior hand involvement; Hypertrophic cardiomyopathy 26. Last evaluated: 2021-09-01. Review status: criteria provided, single submitter. Criteria: ACMG Guidelines, 2015. Collection method: clinical testing. Allele origin: unknown.

Baylor Genetics
Classification: Uncertain significance for Myofibrillar myopathy 5. Last evaluated: 2019-02-22. Review status: criteria provided, single submitter. Criteria: ACMG Guidelines, 2015. Collection method: clinical testing. Allele origin: maternal. Affected: yes.
Comment: This variant was determined to be of uncertain significance according to ACMG Guidelines, 2015 [PMID:25741868]. This variant has been previously reported as disease-causing [PMID 27574918]

Literature cited by the submitters: PubMed 27574918 (cited by 3 submitters); PubMed 30418145 (cited by Labcorp Genetics (formerly Invitae), Labcorp); PubMed 32528171 (cited by Labcorp Genetics (formerly Invitae), Labcorp and Ambry Genetics).

NM_001458.5(FLNC):c.5996G>A (p.Arg1999Gln)

Genes: FLNC (filamin C; plus strand), FLNC-AS1 (FLNC antisense RNA 1; minus strand). Cytogenetic location: 7q32.1.
Variant type: single nucleotide variant.
Coding change: c.5996G>A on transcript NM_001458.5 (MANE Select); coding-DNA position 5996, G replaced by A.
Protein change: p.Arg1999Gln; replaces arginine 1999 with glutamine.
Molecular consequence: missense variant.
Genome position (GRCh38, 1-based): chr7:128,852,744, G>A. VCF-style: chr7-128852744-G-A. GRCh37 (hg19) VCF-style: chr7-128492798-G-A.
Other names: c.5897G>A, p.Arg1966Gln (NM_001127487.2); short protein forms R1999Q, R1966Q.
Identifiers: ClinVar variation 472119 (VCV000472119.14), dbSNP rs1346364708, ClinGen allele CA369210793.